The following is an entry in ClinVar:

ClinVar aggregate classification (germline): Conflicting classifications of pathogenicity. Review status: criteria provided, conflicting classifications (1 of 4 stars). 2 submissions from 2 submitters: Likely pathogenic (1); Uncertain significance (1). Last evaluated 2024-11-22.

Conditions:
Gillespie syndrome (GLSP). Also called: Aniridia-cerebellar ataxia-intellectual disability syndrome; Aniridia, cerebellar ataxia, and mental deficiency. Identifiers: Orphanet 1065, MedGen C0431401, MONDO:0008795, OMIM 206700.

Submissions (2):

GeneDx
Classification: Likely pathogenic. Last evaluated: 2024-11-22. Review status: criteria provided, single submitter. Criteria: GeneDx Variant Classification Process June 2021. Collection method: clinical testing. Allele origin: germline. Affected: yes.
Comment: Not observed at significant frequency in large population cohorts (gnomAD); In silico analysis supports that this missense variant has a deleterious effect on protein structure/function; Has not been previously published as pathogenic or benign to our knowledge

Baylor Genetics
Classification: Uncertain significance for Gillespie syndrome. Last evaluated: 2023-02-21. Review status: criteria provided, single submitter. Criteria: ACMG Guidelines, 2015. Collection method: clinical testing. Allele origin: unknown.

NM_001378452.1(ITPR1):c.833C>T (p.Ser278Leu)

Gene: ITPR1 (inositol 1,4,5-trisphosphate receptor type 1; plus strand). Cytogenetic location: 3p26.1.
Variant type: single nucleotide variant.
Coding change: c.833C>T on transcript NM_001378452.1 (MANE Select); coding-DNA position 833, C replaced by T.
Protein change: p.Ser278Leu; replaces serine 278 with leucine.
Molecular consequence: missense variant.
Genome position (GRCh38, 1-based): chr3:4,645,706, C>T. VCF-style: chr3-4645706-C-T. GRCh37 (hg19) VCF-style: chr3-4687390-C-T.
Other names: c.833C>T, p.Ser278Leu (NM_001099952.4, NM_001168272.2, NM_002222.7); c.833C>T (NM_002222.5); short protein forms S278L.
Identifiers: ClinVar variation 2582551 (VCV002582551.2), dbSNP rs2470620141, ClinGen allele CA351636920.